The following is an entry in ClinVar:

ClinVar aggregate classification (germline): Uncertain significance (1 of 4 stars; one submission).

Conditions:
Autosomal recessive early-onset Parkinson disease 23. Identifiers: Orphanet 2828, MedGen C4225186, MONDO:0014796, OMIM 616840.

Allele frequency attached by ClinVar (database versions not stated): gnomAD 0.00002; TOPMed 0.00002; gnomAD exomes 0.00004; ExAC 0.00021.

Submission:

Neuberg Centre For Genomic Medicine, NCGM
Classification: Uncertain significance for Autosomal recessive early-onset Parkinson disease 23. Review status: criteria provided, single submitter. Criteria: ACMG Guidelines, 2015. Collection method: clinical testing. Allele origin: germline. Inheritance: Autosomal recessive inheritance. Affected: yes.
Comment: The missense c.8315A>G p.Tyr2772Cys variant in VPS13C gene has not been reported previously as a pathogenic variant nor as a benign variant, to our knowledge. This variant is reported with allele frequency of 0.01% in the gnomAD Exomes and is novel not in any individuals in 1000 Genomes. This variant has not been reported to the ClinVar database. The amino acid change p.Tyr2772Cys in VPS13C is predicted as conserved by GERP++ and PhyloP across 100 vertebrates. The amino acid Tyr at position 2772 is changed to a Cys changing protein sequence and it might alter its composition and physico-chemical properties. For these reasons, this variant has been classified as a Variant of Uncertain Significance VUS.

NM_020821.3(VPS13C):c.8315A>G (p.Tyr2772Cys)

Gene: VPS13C (vacuolar protein sorting 13 homolog C; minus strand). Cytogenetic location: 15q22.2.
Variant type: single nucleotide variant.
Coding change: c.8315A>G on transcript NM_020821.3 (MANE Select); coding-DNA position 8315, A replaced by G.
Protein change: p.Tyr2772Cys; replaces tyrosine 2772 with cysteine.
Molecular consequence: missense variant.
Genome position (GRCh38, 1-based): chr15:61,915,763, T>C on the plus strand (A>G on the coding strand, the complement: VPS13C is on the minus strand). VCF-style: chr15-61915763-T-C. GRCh37 (hg19) VCF-style: chr15-62207962-T-C.
Other names: c.8315A>G, p.Tyr2772Cys (NM_001018088.3); c.8186A>G, p.Tyr2729Cys (NM_017684.5, NM_018080.4); short protein forms Y2729C, Y2772C.
Identifiers: ClinVar variation 3235050 (VCV003235050.1), dbSNP rs748742617, ClinGen allele CA7595034.